The following is an entry in ClinVar:

ClinVar aggregate classification (germline): Pathogenic (1 of 4 stars; one submission).

Conditions:
Mucopolysaccharidosis, MPS-III-D (MPS3D). Also called: MPS IIID (Sanfilippo Syndrome Type D); N-ACETYLGLUCOSAMINE-6-SULFATASE DEFICIENCY; SANFILIPPO SYNDROME D; MPS III D; Mucopoly-saccharidosis type 3D; N-acetylglucosamine-6-sulfate sulfatase deficiency. Identifiers: Orphanet 581, Orphanet 79272, MedGen C0086650, MONDO:0009658, OMIM 252940.

Allele frequency attached by ClinVar (database versions not stated): ExAC 0.00001.

Submission:

Labcorp Genetics (formerly Invitae), Labcorp
Classification: Pathogenic for Mucopolysaccharidosis, MPS-III-D. Last evaluated: 2022-12-31. Review status: criteria provided, single submitter. Criteria: Invitae Variant Classification Sherloc (09022015). Collection method: clinical testing. Allele origin: germline.
Comment: This variant is present in population databases (rs777789027, gnomAD 0.004%). For these reasons, this variant has been classified as Pathogenic. Algorithms developed to predict the effect of sequence changes on RNA splicing suggest that this variant may disrupt the consensus splice site. This variant has not been reported in the literature in individuals affected with GNS-related conditions. This sequence change creates a premature translational stop signal (p.Tyr320*) in the GNS gene. It is expected to result in an absent or disrupted protein product. Loss-of-function variants in GNS are known to be pathogenic (PMID: 20232353).

Literature cited by the submitters: PubMed 20232353.

NM_002076.4(GNS):c.959dup (p.Tyr320Ter)

Gene: GNS (glucosamine (N-acetyl)-6-sulfatase; minus strand). Cytogenetic location: 12q14.3.
Variant type: Duplication.
Coding change: c.959dup on transcript NM_002076.4 (MANE Select); coding-DNA position 959, one base duplicated (A; older notation c.959dupA).
Protein change: p.Tyr320Ter; replaces tyrosine 320 with a stop codon.
Molecular consequence: nonsense.
Genome position (GRCh38, 1-based): chr12:64,739,416, T duplicated on the plus strand (A on the coding strand, the reverse complement: GNS is on the minus strand). VCF-style (leftmost placement, unchanged base first): chr12-64739415-G-GT. GRCh37 (hg19) VCF-style: chr12-65133195-G-GT.
Other names: short protein forms Y320*.
Identifiers: ClinVar variation 2825520 (VCV002825520.3), dbSNP rs777789027, ClinGen allele CA6669795.